The following is an entry in ClinVar:

NM_004369.4(COL6A3):c.8773A>G (p.Thr2925Ala)

Gene: COL6A3 (collagen type VI alpha 3 chain; minus strand). Cytogenetic location: 2q37.3.
Variant type: single nucleotide variant.
Coding change: c.8773A>G on transcript NM_004369.4 (MANE Select); coding-DNA position 8773, A replaced by G.
Protein change: p.Thr2925Ala; replaces threonine 2925 with alanine.
Molecular consequence: missense variant.
Genome position (GRCh38, 1-based): chr2:237,336,327, T>C on the plus strand (A>G on the coding strand, the complement: COL6A3 is on the minus strand). VCF-style: chr2-237336327-T-C. GRCh37 (hg19) VCF-style: chr2-238244970-T-C.
Other names: c.6952A>G, p.Thr2318Ala (NM_057166.5); c.8155A>G, p.Thr2719Ala (NM_057167.4); short protein forms T2318A, T2925A, T2719A.
Identifiers: ClinVar variation 2844657 (VCV002844657.3), dbSNP rs2469792299, ClinGen allele CA351191623.
Genomic context (GRCh38, chr2:237,336,327, plus strand): 5'-CAGGCTTCGCTGCCGTTGCTGGCTTCACCGCCACTGGGGGTCTAACAGTGGCCATCTTTG[T>C]GGCCACAGGCTTGGCAGCCACAGGTTTCGCAGGGGCCGGCTTTGCAGCGGCTGGCTTCAC-3'
Protein context (NP_004360.2, residues 2915-2935): AKPVAAKPVA[Thr2925Ala]KMATVRPPVA

ClinVar aggregate classification (germline): Uncertain significance (1 of 4 stars; one submission).

Conditions:
Bethlem myopathy 1A. Also called: Bethlem myopathy 1; MYOPATHY, BENIGN CONGENITAL, WITH CONTRACTURES; Bethlem Muscular Dystrophy. Identifiers: Orphanet 610, MedGen CN029274, MONDO:0024530, OMIM 158810.

Allele frequency attached by ClinVar (database versions not stated): gnomAD exomes below 0.00001.
gnomAD v4.1: 2 of 1,613,358 alleles (0.00012%); highest among the groups gnomAD compares: Non-Finnish European, 0.00017%; no homozygotes.

Submission:

Labcorp Genetics (formerly Invitae), Labcorp
Classification: Uncertain significance for Bethlem myopathy 1A. Last evaluated: 2023-03-04. Review status: criteria provided, single submitter. Criteria: Invitae Variant Classification Sherloc (09022015). Collection method: clinical testing. Allele origin: germline.
Comment: This variant has not been reported in the literature in individuals affected with COL6A3-related conditions. This sequence change replaces threonine, which is neutral and polar, with alanine, which is neutral and non-polar, at codon 2925 of the COL6A3 protein (p.Thr2925Ala). This variant is not present in population databases (gnomAD no frequency). Advanced modeling of protein sequence and biophysical properties (such as structural, functional, and spatial information, amino acid conservation, physicochemical variation, residue mobility, and thermodynamic stability) performed at Invitae indicates that this missense variant is not expected to disrupt COL6A3 protein function. In summary, the available evidence is currently insufficient to determine the role of this variant in disease. Therefore, it has been classified as a Variant of Uncertain Significance.